The following is an entry in ClinVar:

NM_030962.4(SBF2):c.403-8T>C

Gene: SBF2 (SET binding factor 2; minus strand). Cytogenetic location: 11p15.4.
Variant type: single nucleotide variant.
Coding change: c.403-8T>C on transcript NM_030962.4 (MANE Select); 8 bases into the intron before coding-DNA position 403, T replaced by C.
Molecular consequence: intron variant.
Genome position (GRCh38, 1-based): chr11:10,029,883, A>G on the plus strand (T>C on the coding strand, the complement: SBF2 is on the minus strand). VCF-style: chr11-10029883-A-G. GRCh37 (hg19) VCF-style: chr11-10051430-A-G.
Other names: c.403-8T>C (NM_030962.3, NM_001386342.1, NM_001386339.1).
Identifiers: ClinVar variation 1156217 (VCV001156217.10), dbSNP rs755029382, ClinGen allele CA5882126.

ClinVar aggregate classification (germline): Likely benign. Review status: criteria provided, multiple submitters, no conflicts (2 of 4 stars). 2 submissions from 2 submitters: Likely benign (2). Last evaluated 2025-08-08.

Conditions:
Charcot-Marie-Tooth disease type 4. Also called: Charcot-Marie-Tooth disease, type IV; Charcot-Marie-Tooth, Type 4. Identifiers: Orphanet 64749, MedGen C4082197, MONDO:0018995.
SBF2-related disorder. Also called: SBF2-related condition.

Allele frequency attached by ClinVar (database versions not stated): ExAC 0.00001; gnomAD exomes 0.00001; gnomAD 0.00003; TOPMed 0.00006.
gnomAD v4.1: 17 of 1,537,278 alleles (0.0011%); highest among the groups gnomAD compares: African/African-American, 0.02%; 1 homozygote.

Submissions (2):

PreventionGenetics, part of Exact Sciences
Classification: Likely benign for SBF2-related condition. Last evaluated: 2025-08-08. Review status: criteria provided, single submitter. Criteria: ACMG Guidelines, 2015. Collection method: clinical testing. Allele origin: germline.
Comment: This variant is classified as likely benign based on ACMG/AMP sequence variant interpretation guidelines (Richards et al. 2015 PMID: 25741868, with internal and published modifications).

Labcorp Genetics (formerly Invitae), Labcorp
Classification: Likely benign for Charcot-Marie-Tooth disease type 4. Last evaluated: 2023-06-11. Review status: criteria provided, single submitter. Criteria: Invitae Variant Classification Sherloc (09022015). Collection method: clinical testing. Allele origin: germline.